The following is an entry in ClinVar:

NM_006005.3(WFS1):c.2624T>C (p.Val875Ala)

Gene: WFS1 (wolframin ER transmembrane glycoprotein; plus strand). Cytogenetic location: 4p16.1.
Variant type: single nucleotide variant.
Coding change: c.2624T>C on transcript NM_006005.3 (MANE Select); coding-DNA position 2624, T replaced by C.
Protein change: p.Val875Ala; replaces valine 875 with alanine.
Molecular consequence: missense variant.
Genome position (GRCh38, 1-based): chr4:6,302,419, T>C. VCF-style: chr4-6302419-T-C. GRCh37 (hg19) VCF-style: chr4-6304146-T-C.
Other names: c.2624T>C, p.Val875Ala (NM_001145853.1); short protein forms V875A.
Identifiers: ClinVar variation 1320701 (VCV001320701.4), dbSNP rs1730979706, ClinGen allele CA356179534.

ClinVar aggregate classification (germline): Uncertain significance. Review status: criteria provided, multiple submitters, no conflicts (2 of 4 stars). 3 submissions from 3 submitters: Uncertain significance (3). Last evaluated 2025-03-13.

Allele frequency attached by ClinVar (database versions not stated): gnomAD exomes below 0.00001.
gnomAD v4.1: 1 of 1,613,210 alleles (0.000062%); highest among the groups gnomAD compares: Admixed American, 0.0017%; no homozygotes.

Submissions (3):

Women's Health and Genetics/Laboratory Corporation of America, LabCorp
Classification: Uncertain significance. Last evaluated: 2025-03-13. Review status: criteria provided, single submitter. Criteria: LabCorp Variant Classification Summary - May 2015. Collection method: clinical testing. Allele origin: germline.
Comment: Variant summary: WFS1 c.2624T>C (p.Val875Ala) results in a non-conservative amino acid change in the encoded protein sequence. Three of five in-silico tools predict a damaging effect of the variant on protein function. The variant was absent in 250146 control chromosomes. The available data on variant occurrences in the general population are insufficient to allow any conclusion about variant significance. To our knowledge, no occurrence of c.2624T>C in individuals affected with Wolfram Syndrome 1 and no experimental evidence demonstrating its impact on protein function have been reported. ClinVar contains an entry for this variant (Variation ID: 1320701). Based on the evidence outlined above, the variant was classified as uncertain significance.

Blueprint Genetics
Classification: Uncertain significance. Last evaluated: 2023-12-21. Review status: criteria provided, single submitter. Criteria: ACMG Guidelines, 2015. Collection method: clinical testing. Allele origin: germline.

GeneDx
Classification: Uncertain significance. Last evaluated: 2020-07-08. Review status: criteria provided, single submitter. Criteria: GeneDx Variant Classification Process June 2021. Collection method: clinical testing. Allele origin: germline. Affected: yes.
Comment: Not observed in large population cohorts (Lek et al., 2016); In silico analysis supports that this missense variant does not alter protein structure/function; Has not been previously published as pathogenic or benign to our knowledge